The following is an entry in ClinVar:

ClinVar aggregate classification (germline): Uncertain significance (1 of 4 stars; one submission).

Conditions:
Pyruvate dehydrogenase E1-alpha deficiency (PDHAD). Also called: ATAXIA, INTERMITTENT, WITH PYRUVATE DEHYDROGENASE DEFICIENCY; ATAXIA WITH LACTIC ACIDOSIS I; ATAXIA, INTERMITTENT, WITH ABNORMAL PYRUVATE METABOLISM; Ataxia, intermittent, with pyruvate dehydrogenase, or decarboxylase, deficiency. Identifiers: Orphanet 79243, MedGen C1839413, MONDO:0010717, OMIM 312170.

Submission:

Labcorp Genetics (formerly Invitae), Labcorp
Classification: Uncertain significance for Pyruvate dehydrogenase E1-alpha deficiency. Last evaluated: 2023-02-26. Review status: criteria provided, single submitter. Criteria: Invitae Variant Classification Sherloc (09022015). Collection method: clinical testing. Allele origin: germline.
Comment: This sequence change falls in intron 9 of the PDHA1 gene. It does not directly change the encoded amino acid sequence of the PDHA1 protein. This variant is not present in population databases (gnomAD no frequency). This variant has not been reported in the literature in individuals affected with PDHA1-related conditions. Algorithms developed to predict the effect of sequence changes on RNA splicing suggest that this variant may disrupt the consensus splice site. In summary, the available evidence is currently insufficient to determine the role of this variant in disease. Therefore, it has been classified as a Variant of Uncertain Significance.

NM_000284.4(PDHA1):c.900-12_936dup

Gene: PDHA1 (pyruvate dehydrogenase E1 subunit alpha 1; plus strand). Cytogenetic location: Xp22.12.
Variant type: Duplication.
Coding change: c.900-12_936dup on transcript NM_000284.4 (MANE Select); 12 bases into the intron before coding-DNA position 900 through coding-DNA position 936, 49 bases duplicated.
Molecular consequence: splice acceptor variant.
Genome position (GRCh38, 1-based): chrX:19,358,904-19,358,952, 49 bases duplicated; duplicating any 49 consecutive bases within chrX:19,358,903-19,358,952 gives the same sequence; the c. name uses the placement nearest the transcript's 3' end. GRCh37 (hg19): chrX:19,377,022-19,377,070.
Other names: c.1014-12_1050dup (NM_001173454.2); c.921-12_957dup (NM_001173455.2); c.807-12_843dup (NM_001173456.2).
Identifiers: ClinVar variation 2840986 (VCV002840986.3), dbSNP rs2518505390, ClinGen allele CA2739268099.